The following is an entry in ClinVar:

NM_000548.5(TSC2):c.2050G>A (p.Val684Met)

Gene: TSC2 (TSC complex subunit 2; plus strand). Cytogenetic location: 16p13.3.
Variant type: single nucleotide variant.
Coding change: c.2050G>A on transcript NM_000548.5 (MANE Select); coding-DNA position 2050, G replaced by A.
Protein change: p.Val684Met; replaces valine 684 with methionine.
Molecular consequence: missense variant.
Genome position (GRCh38, 1-based): chr16:2,071,887, G>A. VCF-style: chr16-2071887-G-A. GRCh37 (hg19) VCF-style: chr16-2121888-G-A.
Other names: c.2050G>A, p.Val684Met (NM_001077183.3, NM_001114382.3, NM_001363528.2 and 3 more transcripts); c.1939G>A, p.Val647Met (NM_001318827.2); c.1903G>A, p.Val635Met (NM_001318829.2); c.1450G>A, p.Val484Met (NM_001318831.2); c.2083G>A, p.Val695Met (NM_001318832.2); c.2050G>A (NM_000548.4); short protein forms V684M, V695M, V484M, V635M, V647M.
Identifiers: ClinVar variation 231348 (VCV000231348.17), dbSNP rs779275341, ClinGen allele CA036058.

ClinVar aggregate classification (germline): Conflicting classifications of pathogenicity. Review status: criteria provided, conflicting classifications (1 of 4 stars). 6 submissions from 6 submitters: Uncertain significance (4); Benign (1); Likely benign (1). Last evaluated 2025-12-21.

Conditions:
Hereditary cancer-predisposing syndrome. Also called: Hereditary Cancer Syndrome; Neoplastic Syndromes, Hereditary; Tumor predisposition; Hereditary neoplastic syndrome. Identifiers: Orphanet 140162, MedGen C0027672, MeSH D009386, MONDO:0015356.
Tuberous sclerosis syndrome (TSC). Also called: Tuberous sclerosis; Tuberous Sclerosis Complex. Identifiers: Orphanet 805, MedGen C0041341, MONDO:0001734.
Dilated cardiomyopathy 1D. Identifiers: Orphanet 154, Orphanet 54260, MedGen C1832243, MONDO:0011095, OMIM 601494.
Tuberous sclerosis 2 (TSC2). Identifiers: Orphanet 805, MedGen C1860707, MONDO:0013199, OMIM 613254.

Allele frequency attached by ClinVar (database versions not stated): ExAC 0.00002; TOPMed below 0.00001; gnomAD 0.00001.
gnomAD v4.1: 4 of 1,597,074 alleles (0.00025%); highest among the groups gnomAD compares: Admixed American, 0.0017%; no homozygotes.

Submissions (6):

Labcorp Genetics (formerly Invitae), Labcorp
Classification: Benign for Tuberous sclerosis 2. Last evaluated: 2025-12-21. Review status: criteria provided, single submitter. Criteria: Invitae Variant Classification Sherloc (09022015). Collection method: clinical testing. Allele origin: germline.

Ambry Genetics
Classification: Uncertain significance for Hereditary cancer-predisposing syndrome. Last evaluated: 2025-05-28. Review status: criteria provided, single submitter. Criteria: Ambry Variant Classification Scheme 2023. Collection method: clinical testing. Allele origin: germline.
Comment: The p.V684M variant (also known as c.2050G>A), located in coding exon 18 of the TSC2 gene, results from a G to A substitution at nucleotide position 2050. The valine at codon 684 is replaced by methionine, an amino acid with highly similar properties. This amino acid position is poorly conserved in available vertebrate species. In addition, this alteration is predicted to be tolerated by in silico analysis. Based on the available evidence, the clinical significance of this variant remains unclear.

Johns Hopkins Genomics, Johns Hopkins University
Classification: Likely benign for Dilated cardiomyopathy 1D. Last evaluated: 2025-01-03. Review status: criteria provided, single submitter. Criteria: ACMG Guidelines, 2015. Collection method: clinical testing. Allele origin: germline.
Comment: This variant is classified as likely benign (PM2, BS2_supporting, BP4).

All of Us Research Program, National Institutes of Health
Classification: Uncertain significance for Tuberous sclerosis syndrome. Last evaluated: 2024-01-03. Review status: criteria provided, single submitter. Criteria: ACMG Guidelines, 2015. Collection method: clinical testing. Allele origin: germline. Inheritance: Autosomal dominant inheritance. Observed: 1 variant allele, 1 heterozygote.
Comment: This missense variant replaces valine with methionine at codon 684 of the TSC2 protein. Computational prediction suggests that this variant may not impact protein structure and function (internally defined REVEL score threshold <= 0.5, PMID: 27666373). To our knowledge, functional studies have not been reported for this variant. This variant has not been reported in individuals affected with TSC2-related disorders in the literature. This variant has not been identified in the general population by the Genome Aggregation Database (gnomAD). The available evidence is insufficient to determine the role of this variant in disease conclusively. Therefore, this variant is classified as a Variant of Uncertain Significance.

This study involves interpretation of variants in research participants for the purpose of population health screening. Participant phenotype was not available at the time of variant classification. Additional details can be found in publication PMID: 35346344, PMCID: PMC8962531

Genome-Nilou Lab
Classification: Uncertain significance for Tuberous sclerosis 2. Last evaluated: 2021-11-07. Review status: criteria provided, single submitter. Criteria: ACMG Guidelines, 2015. Collection method: clinical testing. Allele origin: germline. Affected: no.

GeneDx
Classification: Uncertain significance. Last evaluated: 2016-08-08. Review status: criteria provided, single submitter. Criteria: GeneDx Variant Classification (06012015). Collection method: clinical testing. Allele origin: germline. Affected: yes.
Comment: This variant is denoted TSC2 c.2050G>A at the cDNA level, p.Val684Met (V684M) at the protein level, and results in the change of a Valine to a Methionine (GTG>ATG). This variant has not, to our knowledge, been published in the literature as a germline pathogenic or benign variant. TSC2 Val684Met was not observed at significant allele frequency in the Exome Aggregation Consortium (ExAC) data set. Since Valine and Methionine share similar properties, this is considered a conservative amino acid substitution. TSC2 Val684Met occurs at a position where amino acids with properties similar to Valine are tolerated across species and is not located in a known functional domain (UniProt). In silico analyses are inconsistent regarding the effect this variant may have on protein structure and function. Based on currently available evidence, it is unclear whether TSC2 Val684Met is a pathogenic or benign variant. We consider it to be a variant of uncertain significance.

Literature cited by the submitters: PubMed 32310333 (cited by Johns Hopkins Genomics, Johns Hopkins University).